The following is an entry in ClinVar:

NM_207361.6(FREM2):c.6718A>G (p.Ile2240Val)

Gene: FREM2 (FRAS1 related extracellular matrix 2; plus strand). Cytogenetic location: 13q13.3.
Variant type: single nucleotide variant.
Coding change: c.6718A>G on transcript NM_207361.6 (MANE Select); coding-DNA position 6718, A replaced by G.
Protein change: p.Ile2240Val; replaces isoleucine 2240 with valine.
Molecular consequence: missense variant.
Genome position (GRCh38, 1-based): chr13:38,851,084, A>G. VCF-style: chr13-38851084-A-G. GRCh37 (hg19) VCF-style: chr13-39425221-A-G.
Other names: c.6718A>G (NM_207361.4); short protein forms I2240V.
Identifiers: ClinVar variation 2184298 (VCV002184298.2), dbSNP rs374734549, ClinGen allele CA6955653.

ClinVar aggregate classification (germline): Conflicting classifications of pathogenicity. Review status: criteria provided, conflicting classifications (1 of 4 stars). 2 submissions from 2 submitters: Uncertain significance (1); Likely benign (1). Last evaluated 2024-01-16.

Conditions:
Inborn genetic diseases. Identifiers: MedGen C0950123, MeSH D030342.

Allele frequency attached by ClinVar (database versions not stated): gnomAD 0.00001; gnomAD exomes 0.00001; TOPMed 0.00002.
gnomAD v4.1: 18 of 1,610,586 alleles (0.0011%); highest among the groups gnomAD compares: Admixed American, 0.015%; no homozygotes.

Submissions (2):

Ambry Genetics
Classification: Likely benign for Inborn genetic diseases. Last evaluated: 2024-01-16. Review status: criteria provided, single submitter. Criteria: Ambry Variant Classification Scheme 2023. Collection method: clinical testing. Allele origin: germline.

Labcorp Genetics (formerly Invitae), Labcorp
Classification: Uncertain significance. Last evaluated: 2022-07-19. Review status: criteria provided, single submitter. Criteria: Invitae Variant Classification Sherloc (09022015). Collection method: clinical testing. Allele origin: germline.
Comment: This sequence change replaces isoleucine, which is neutral and non-polar, with valine, which is neutral and non-polar, at codon 2240 of the FREM2 protein (p.Ile2240Val). This variant is present in population databases (rs374734549, gnomAD 0.02%). This variant has not been reported in the literature in individuals affected with FREM2-related conditions. Algorithms developed to predict the effect of missense changes on protein structure and function output the following: SIFT: "Tolerated"; PolyPhen-2: "Benign"; Align-GVGD: "Class C0". The valine amino acid residue is found in multiple mammalian species, which suggests that this missense change does not adversely affect protein function. Algorithms developed to predict the effect of sequence changes on RNA splicing suggest that this variant may create or strengthen a splice site. In summary, the available evidence is currently insufficient to determine the role of this variant in disease. Therefore, it has been classified as a Variant of Uncertain Significance.